The following is an entry in ClinVar:

ClinVar aggregate classification (germline): Uncertain significance (1 of 4 stars; one submission).

Conditions:
RYR1-related disorder. Also called: RYR1-related condition; RYR1-related disorders. Identifiers: MedGen CN239331.

gnomAD v4.1: 4 of 1,613,692 alleles (0.00025%); highest among the groups gnomAD compares: Non-Finnish European, 0.00025%; no homozygotes.

Submission:

Labcorp Genetics (formerly Invitae), Labcorp
Classification: Uncertain significance for RYR1-related disorder. Last evaluated: 2024-04-30. Review status: criteria provided, single submitter. Criteria: Invitae Variant Classification Sherloc (09022015). Collection method: clinical testing. Allele origin: germline.
Comment: This sequence change replaces glycine, which is neutral and non-polar, with arginine, which is basic and polar, at codon 3870 of the RYR1 protein (p.Gly3870Arg). This variant also falls at the last nucleotide of exon 83, which is part of the consensus splice site for this exon. This variant is present in population databases (no rsID available, gnomAD 0.0009%). This variant has not been reported in the literature in individuals affected with RYR1-related conditions. Advanced modeling of protein sequence and biophysical properties (such as structural, functional, and spatial information, amino acid conservation, physicochemical variation, residue mobility, and thermodynamic stability) has been performed at Invitae for this missense variant, however the output from this modeling did not meet the statistical confidence thresholds required to predict the impact of this variant on RYR1 protein function. Variants that disrupt the consensus splice site are a relatively common cause of aberrant splicing (PMID: 17576681, 9536098). Algorithms developed to predict the effect of sequence changes on RNA splicing suggest that this variant may disrupt the consensus splice site. In summary, the available evidence is currently insufficient to determine the role of this variant in disease. Therefore, it has been classified as a Variant of Uncertain Significance.

Literature cited by the submitters: PubMed 17576681; PubMed 9536098.

NM_000540.3(RYR1):c.11608G>A (p.Gly3870Arg)

Gene: RYR1 (ryanodine receptor 1; plus strand). Cytogenetic location: 19q13.2.
Variant type: single nucleotide variant.
Coding change: c.11608G>A on transcript NM_000540.3 (MANE Select); coding-DNA position 11608, G replaced by A.
Protein change: p.Gly3870Arg; replaces glycine 3870 with arginine.
Molecular consequence: missense variant.
Genome position (GRCh38, 1-based): chr19:38,536,767, G>A. VCF-style: chr19-38536767-G-A. GRCh37 (hg19) VCF-style: chr19-39027407-G-A.
Other names: c.11593G>A, p.Gly3865Arg (NM_001042723.2); short protein forms G3865R, G3870R.
Identifiers: ClinVar variation 3624672 (VCV003624672.2).